The following is an entry in ClinVar:

NM_000059.4(BRCA2):c.8393C>T (p.Pro2798Leu)

Gene: BRCA2 (BRCA2 DNA repair associated; plus strand). Cytogenetic location: 13q13.1.
Variant type: single nucleotide variant.
Coding change: c.8393C>T on transcript NM_000059.4 (MANE Select); coding-DNA position 8393, C replaced by T.
Protein change: p.Pro2798Leu; replaces proline 2798 with leucine.
Molecular consequence: missense variant.
Genome position (GRCh38, 1-based): chr13:32,370,463, C>T. VCF-style: chr13-32370463-C-T. GRCh37 (hg19) VCF-style: chr13-32944600-C-T.
Other names: short protein forms P2798L.
Identifiers: ClinVar variation 52572 (VCV000052572.12), dbSNP rs276174906, ClinGen allele CA025622.

ClinVar aggregate classification (germline): Conflicting classifications of pathogenicity. Review status: criteria provided, conflicting classifications (1 of 4 stars). 4 submissions from 4 submitters: Uncertain significance (2); Likely benign (1). 1 of the submissions does not count toward it. Last evaluated 2026-04-17.

Conditions:
Hereditary cancer-predisposing syndrome. Also called: Neoplastic Syndromes, Hereditary; Hereditary neoplastic syndrome; Tumor predisposition; Hereditary Cancer Syndrome. Identifiers: Orphanet 140162, MedGen C0027672, MeSH D009386, MONDO:0015356.
Hereditary breast ovarian cancer syndrome. Also called: Hereditary breast and/or ovarian cancer syndrome; Hereditary breast and ovarian cancer; Hereditary breast and ovarian cancer syndrome (HBOC); Breast and ovarian cancer; BRCA1- and BRCA2-Associated Hereditary Breast and Ovarian Cancer; Hereditary breast and ovarian cancer syndrome. Identifiers: Orphanet 145, MedGen C0677776, MeSH D061325, MONDO:0003582. Disease mechanism: loss of function.
Breast-ovarian cancer, familial, susceptibility to, 2 (BROVCA2). Also called: BRCA2 Hereditary Breast and Ovarian Cancer. Identifiers: Orphanet 145, MedGen C2675520, MONDO:0012933, OMIM 612555. Disease mechanism: loss of function.

Submissions (4):

Ambry Genetics
Classification: Likely benign for Hereditary cancer-predisposing syndrome. Last evaluated: 2026-04-17. Review status: criteria provided, single submitter. Criteria: Ambry Variant Classification Scheme 2023. Collection method: clinical testing. Allele origin: germline.

Sema4
Classification: Uncertain significance for Hereditary cancer-predisposing syndrome. Last evaluated: 2021-12-31. Review status: criteria provided, single submitter. Criteria: Sema4 Curation Guidelines. Collection method: curation. Allele origin: germline.
Comment: The BRCA2 c.8393C>T (p.P2798L) variant has been reported in heterozygosity in at least 1 individual with breast cancer (PMID: 33314489). It has been reported in a large case-control study of breast cancer in 1/60466 cases and 0/53461 controls (PMID: 33471991). This variant is not reported in the population database Genome Aggregation Database (PMID: 32461654). This variant has been reported in ClinVar (Variation ID 52572). In silico predictions of the variant's effect on protein function are inconclusive. Functional study demonstrated the variant as neutral (PMID: 33314489). The evidence is insufficient to meet ACMG/AMP criteria for classifying the variant as benign or pathogenic. Thus, the clinical significance of this variant is currently uncertain.

Labcorp Genetics (formerly Invitae), Labcorp
Classification: Uncertain significance for Hereditary breast ovarian cancer syndrome. Last evaluated: 2019-09-20. Review status: criteria provided, single submitter. Criteria: Invitae Variant Classification Sherloc (09022015). Collection method: clinical testing. Allele origin: germline.
Comment: In summary, the available evidence is currently insufficient to determine the role of this variant in disease. Therefore, it has been classified as a Variant of Uncertain Significance. Algorithms developed to predict the effect of missense changes on protein structure and function (SIFT, PolyPhen-2, Align-GVGD) all suggest that this variant is likely to be disruptive, but these predictions have not been confirmed by published functional studies and their clinical significance is uncertain. This variant has been reported in individuals in the Leiden Open-source Variation Database (PMID: 21520333). ClinVar contains an entry for this variant (Variation ID: 52572). This variant is not present in population databases (ExAC no frequency). This sequence change replaces proline with leucine at codon 2798 of the BRCA2 protein (p.Pro2798Leu). The proline residue is highly conserved and there is a moderate physicochemical difference between proline and leucine.

Breast Cancer Information Core (BIC) (BRCA2)
Classification: Uncertain significance for Breast-ovarian cancer, familial 2. Last evaluated: 2010-09-18. Review status: no assertion criteria provided. Collection method: clinical testing. Allele origin: germline. Affected: yes. Observed: 1 variant allele. Not counted in ClinVar's aggregate classification.

Literature cited by the submitters: PubMed 39779848 (cited by Ambry Genetics); PubMed 39779857 (cited by Ambry Genetics); PubMed 33314489 (cited by Sema4); PubMed 33471991 (cited by Sema4); PubMed 21520333 (cited by Labcorp Genetics (formerly Invitae), Labcorp).